The following is an entry in ClinVar:

NM_170665.4(ATP2A2):c.392G>T (p.Arg131Leu)

Gene: ATP2A2 (ATPase sarcoplasmic/endoplasmic reticulum Ca2+ transporting 2; plus strand). Cytogenetic location: 12q24.11.
Variant type: single nucleotide variant.
Coding change: c.392G>T on transcript NM_170665.4 (MANE Select); coding-DNA position 392, G replaced by T.
Protein change: p.Arg131Leu; replaces arginine 131 with leucine.
Molecular consequence: missense variant.
Genome position (GRCh38, 1-based): chr12:110,296,666, G>T. VCF-style: chr12-110296666-G-T. GRCh37 (hg19) VCF-style: chr12-110734471-G-T.
Other names: c.287G>T, p.Arg96Leu (NM_001413013.1); c.392G>T, p.Arg131Leu (NM_001413014.1, NM_001681.4); c.17G>T, p.Arg6Leu (NM_001413015.1); short protein forms R131L, R6L, R96L.
Identifiers: ClinVar variation 2663159 (VCV002663159.1), dbSNP rs121912738, ClinGen allele CA386915422.
Genomic context (GRCh38, chr12:110,296,666, plus strand): 5'-ATGCTGAAAATGCCATCGAAGCCCTTAAGGAATATGAGCCTGAAATGGGCAAAGTGTATC[G>T]ACAGGACAGAAAGAGTGTGCAGCGGATTAAAGCTAAAGACATAGTTCCTGGTGATATTGT-3'
Protein context (NP_733765.1, residues 121-141): EYEPEMGKVY[Arg131Leu]QDRKSVQRIK

ClinVar aggregate classification (germline): Uncertain significance (1 of 4 stars; one submission).

Submission:

GeneDx
Classification: Uncertain significance. Last evaluated: 2023-04-07. Review status: criteria provided, single submitter. Criteria: GeneDx Variant Classification Process June 2021. Collection method: clinical testing. Allele origin: germline. Affected: yes.
Comment: Reported in a patient with Darier disease in published literature (Ikeda et al., 2003); clinical information not provided; Not observed at significant frequency in large population cohorts (gnomAD); In silico analysis supports that this missense variant has a deleterious effect on protein structure/function; Missense variants in this gene are often considered pathogenic (HGMD); This variant is associated with the following publications: (PMID: 12925202)